The following is an entry in ClinVar:

ClinVar aggregate classification (germline): Benign (1 of 4 stars; one submission).

Conditions:
Sessile serrated polyposis cancer syndrome (SSPCS). Identifiers: Orphanet 157798, MedGen C4310714, MONDO:0014919, OMIM 617108.

Submission:

Myriad Genetics, Inc.
Classification: Benign for Sessile serrated polyposis cancer syndrome. Last evaluated: 2026-07-01. Review status: criteria provided, single submitter. Criteria: Myriad Autosomal Dominant, Autosomal Recessive and X-Linked Classification Criteria (2023). Collection method: clinical testing. Allele origin: unknown.
Comment: This variant is considered benign. This variant is a silent/synonymous amino acid change and it is not expected to impact splicing.

NM_017763.6(RNF43):c.921G>C (p.Arg307=)

Gene: RNF43 (ring finger protein 43; minus strand). Cytogenetic location: 17q22.
Variant type: single nucleotide variant.
Coding change: c.921G>C on transcript NM_017763.6 (MANE Select); coding-DNA position 921, G replaced by C.
Protein change: p.Arg307=; no amino-acid change (arginine 307 retained).
Molecular consequence: synonymous variant.
Genome position (GRCh38, 1-based): chr17:58,360,180, C>G on the plus strand (G>C on the coding strand, the complement: RNF43 is on the minus strand). VCF-style: chr17-58360180-C-G. GRCh37 (hg19) VCF-style: chr17-56437541-C-G.
Other names: c.921G>C, p.Arg307= (NM_001305544.3, NM_001438820.1, NM_001438821.1 and 1 more transcripts); c.540G>C, p.Arg180= (NM_001305545.2, NM_001437987.1).
Identifiers: ClinVar variation 5042435 (VCV005042435.1).